The following is an entry in ClinVar:

ClinVar aggregate classification (germline): Uncertain significance (1 of 4 stars; one submission).

Conditions:
Cardiovascular phenotype. Identifiers: MedGen CN230736.

Allele frequency attached by ClinVar (database versions not stated): gnomAD exomes below 0.00001.
gnomAD v4.1: 2 of 1,612,460 alleles (0.00012%); highest among the groups gnomAD compares: South Asian, 0.0011%; no homozygotes.

Submission:

Ambry Genetics
Classification: Uncertain significance for Cardiovascular phenotype. Last evaluated: 2023-03-24. Review status: criteria provided, single submitter. Criteria: Ambry Variant Classification Scheme 2023. Collection method: clinical testing. Allele origin: germline.
Comment: The p.K2557E variant (also known as c.7669A>G), located in coding exon 21 of the TNXB gene, results from an A to G substitution at nucleotide position 7669. The lysine at codon 2557 is replaced by glutamic acid, an amino acid with similar properties. This amino acid position is conserved. In addition, this alteration is predicted to be tolerated by in silico analysis. Since supporting evidence is limited at this time, the clinical significance of this alteration remains unclear.

NM_001365276.2(TNXB):c.7669A>G (p.Lys2557Glu)

Gene: TNXB (tenascin XB; minus strand). Cytogenetic location: 6p21.33.
Variant type: single nucleotide variant.
Coding change: c.7669A>G on transcript NM_001365276.2 (MANE Select); coding-DNA position 7669, A replaced by G.
Protein change: p.Lys2557Glu; replaces lysine 2557 with glutamic acid.
Molecular consequence: missense variant.
Genome position (GRCh38, 1-based): chr6:32,058,214, T>C on the plus strand (A>G on the coding strand, the complement: TNXB is on the minus strand). VCF-style: chr6-32058214-T-C. GRCh37 (hg19) VCF-style: chr6-32025991-T-C.
Other names: c.7669A>G, p.Lys2557Glu (NM_019105.8); short protein forms K2557E.
Identifiers: ClinVar variation 2565714 (VCV002565714.2), dbSNP rs2483486298, ClinGen allele CA363551333.
Genomic context (GRCh38, chr6:32,058,214, plus strand): 5'-CAGTGACCTTGCTCTCCTGGCCCCCAACACGCACCGCCTGGGGCCGCCCGTCCCTGTCCT[T>C]GTACTGCACGGTGAAGGAGTCAAAGCGGCCCTGGGGGACGGTCCAGGAAAGGCTCAGCGA-3'
Protein context (NP_001352205.1, residues 2547-2567): GRFDSFTVQY[Lys2557Glu]DRDGRPQAVR